The following is an entry in ClinVar:

NM_199242.3(UNC13D):c.924del (p.Val309fs)

Gene: UNC13D (unc-13 homolog D; minus strand). Cytogenetic location: 17q25.1.
Variant type: Deletion.
Coding change: c.924del on transcript NM_199242.3 (MANE Select); coding-DNA position 924, one base deleted (T; older notation c.924delT).
Protein change: p.Val309fs; shifts the reading frame from valine 309.
Molecular consequence: frameshift variant.
Genome position (GRCh38, 1-based): chr17:75,840,045, A deleted on the plus strand (T on the coding strand, the reverse complement: UNC13D is on the minus strand); the first of 2 consecutive A bases (chr17:75,840,045-75,840,046); deleting either gives the same sequence. VCF-style (leftmost placement, unchanged base first): chr17-75840044-CA-C. GRCh37 (hg19) VCF-style: chr17-73836125-CA-C.
Other names: short protein forms V309fs.
Identifiers: ClinVar variation 2693684 (VCV002693684.3), dbSNP rs2064936438, ClinGen allele CA2275708772.

ClinVar aggregate classification (germline): Pathogenic (1 of 4 stars; one submission).

Conditions:
Familial hemophagocytic lymphohistiocytosis 3 (FHL3). Also called: UNC13D-Related Familial Hemophagocytic Lymphohistiocytosis (UNC13D-fHLH). Identifiers: Orphanet 540, MedGen C1837174, MONDO:0012146, OMIM 608898.

Submission:

Labcorp Genetics (formerly Invitae), Labcorp
Classification: Pathogenic for Familial hemophagocytic lymphohistiocytosis 3. Last evaluated: 2023-11-13. Review status: criteria provided, single submitter. Criteria: Invitae Variant Classification Sherloc (09022015). Collection method: clinical testing. Allele origin: germline.
Comment: This sequence change creates a premature translational stop signal (p.Val309Cysfs*19) in the UNC13D gene. It is expected to result in an absent or disrupted protein product. Loss-of-function variants in UNC13D are known to be pathogenic (PMID: 14622600). This variant is not present in population databases (gnomAD no frequency). This variant has not been reported in the literature in individuals affected with UNC13D-related conditions. For these reasons, this variant has been classified as Pathogenic.

Literature cited by the submitters: PubMed 14622600.